The following is an entry in ClinVar:

NM_002528.7(NTHL1):c.92T>G (p.Leu31Arg)

Gene: NTHL1 (nth like DNA glycosylase 1; minus strand). Cytogenetic location: 16p13.3.
Variant type: single nucleotide variant.
Coding change: c.92T>G on transcript NM_002528.7 (MANE Select); coding-DNA position 92, T replaced by G.
Protein change: p.Leu31Arg; replaces leucine 31 with arginine.
Molecular consequence: missense variant. On other transcripts: 5 prime UTR variant (1).
Genome position (GRCh38, 1-based): chr16:2,047,732, A>C on the plus strand (T>G on the coding strand, the complement: NTHL1 is on the minus strand). VCF-style: chr16-2047732-A-C. GRCh37 (hg19) VCF-style: chr16-2097733-A-C.
Other names: c.92T>G, p.Leu31Arg (NM_001318193.2); c.-87T>G (NM_001318194.2); short protein forms L31R.
Identifiers: ClinVar variation 3881357 (VCV003881357.1).

ClinVar aggregate classification (germline): Uncertain significance (1 of 4 stars; one submission).

Conditions:
Hereditary cancer-predisposing syndrome. Also called: Tumor predisposition; Neoplastic Syndromes, Hereditary; Hereditary Cancer Syndrome; Hereditary neoplastic syndrome. Identifiers: Orphanet 140162, MedGen C0027672, MeSH D009386, MONDO:0015356.

Submission:

Ambry Genetics
Classification: Uncertain significance for Hereditary cancer-predisposing syndrome. Last evaluated: 2025-01-06. Review status: criteria provided, single submitter. Criteria: Ambry Variant Classification Scheme 2023. Collection method: clinical testing. Allele origin: germline.
Comment: The p.L39R variant (also known as c.116T>G), located in coding exon 1 of the NTHL1 gene, results from a T to G substitution at nucleotide position 116. The leucine at codon 39 is replaced by arginine, an amino acid with dissimilar properties. This amino acid position is conserved. In addition, this alteration is predicted to be tolerated by in silico analysis. Based on the available evidence, the clinical significance of this variant remains unclear.